The following is an entry in ClinVar:

ClinVar aggregate classification (germline): Uncertain significance (1 of 4 stars; one submission).

gnomAD v4.1: 4 of 1,613,892 alleles (0.00025%); highest among the groups gnomAD compares: Admixed American, 0.0033%; no homozygotes.

Submission:

Labcorp Genetics (formerly Invitae), Labcorp
Classification: Uncertain significance. Last evaluated: 2024-03-29. Review status: criteria provided, single submitter. Criteria: Invitae Variant Classification Sherloc (09022015). Collection method: clinical testing. Allele origin: germline.
Comment: This sequence change replaces isoleucine, which is neutral and non-polar, with valine, which is neutral and non-polar, at codon 70 of the JAK1 protein (p.Ile70Val). This variant is present in population databases (rs781717039, gnomAD 0.004%). This variant has not been reported in the literature in individuals affected with JAK1-related conditions. An algorithm developed to predict the effect of missense changes on protein structure and function (PolyPhen-2) suggests that this variant is likely to be tolerated. In summary, the available evidence is currently insufficient to determine the role of this variant in disease. Therefore, it has been classified as a Variant of Uncertain Significance.

NM_002227.4(JAK1):c.208A>G (p.Ile70Val)

Gene: JAK1 (Janus kinase 1; minus strand). Cytogenetic location: 1p31.3.
Variant type: single nucleotide variant.
Coding change: c.208A>G on transcript NM_002227.4 (MANE Select); coding-DNA position 208, A replaced by G.
Protein change: p.Ile70Val; replaces isoleucine 70 with valine.
Molecular consequence: missense variant.
Genome position (GRCh38, 1-based): chr1:64,879,146, T>C on the plus strand (A>G on the coding strand, the complement: JAK1 is on the minus strand). VCF-style: chr1-64879146-T-C. GRCh37 (hg19) VCF-style: chr1-65344829-T-C.
Other names: c.208A>G, p.Ile70Val (NM_001320923.2, NM_001321852.2, NM_001321853.2 and 4 more transcripts); short protein forms I70V.
Identifiers: ClinVar variation 3686638 (VCV003686638.2).